The following is an entry in ClinVar:

ClinVar aggregate classification (germline): Pathogenic (1 of 4 stars; one submission).

Submission:

GeneDx
Classification: Pathogenic. Last evaluated: 2015-09-01. Review status: criteria provided, single submitter. Criteria: GeneDx Variant Classification (06012015). Collection method: clinical testing. Allele origin: germline. Affected: yes.
Comment: The E150X nonsense variant in the CYBB gene has been reported previously in association with X-linked chronic granulomatous disease (Roos et al., 2010). This variant is predicted to cause loss of normal protein function either through protein truncation or nonsense-mediated mRNA decay. The E150X variant was not observed in approximately 6,500 individuals of European and African American ancestry in the NHLBI Exome Sequencing Project, indicating it is not a common benign variant in these populations.

NM_000397.4(CYBB):c.448G>T (p.Glu150Ter)

Gene: CYBB (cytochrome b-245 beta chain; plus strand). Cytogenetic location: Xp21.1.
Variant type: single nucleotide variant.
Coding change: c.448G>T on transcript NM_000397.4 (MANE Select); coding-DNA position 448, G replaced by T.
Protein change: p.Glu150Ter; replaces glutamic acid 150 with a stop codon.
Molecular consequence: nonsense.
Genome position (GRCh38, 1-based): chrX:37,793,775, G>T. VCF-style: chrX-37793775-G-T. GRCh37 (hg19) VCF-style: chrX-37653028-G-T.
Other names: short protein forms E150*.
Identifiers: ClinVar variation 265088 (VCV000265088.2), dbSNP rs886039334, ClinGen allele CA10588773.